The following is an entry in ClinVar:

ClinVar aggregate classification (germline): Uncertain significance (1 of 4 stars; one submission).

Conditions:
Cardiovascular phenotype. Identifiers: MedGen CN230736.

gnomAD v4.1: 1 of 1,613,614 alleles (0.000062%); highest among the groups gnomAD compares: Non-Finnish European, 0.000085%; no homozygotes.

Submission:

Ambry Genetics
Classification: Uncertain significance for Cardiovascular phenotype. Last evaluated: 2024-05-30. Review status: criteria provided, single submitter. Criteria: Ambry Variant Classification Scheme 2023. Collection method: clinical testing. Allele origin: germline.
Comment: The p.S41P variant (also known as c.121T>C), located in coding exon 1 of the JPH2 gene, results from a T to C substitution at nucleotide position 121. The serine at codon 41 is replaced by proline, an amino acid with similar properties. This amino acid position is conserved. In addition, the in silico prediction for this alteration is inconclusive. Based on the available evidence, the clinical significance of this variant remains unclear.

NM_020433.5(JPH2):c.121T>C (p.Ser41Pro)

Gene: JPH2 (junctophilin 2; minus strand). Cytogenetic location: 20q13.12.
Variant type: single nucleotide variant.
Coding change: c.121T>C on transcript NM_020433.5 (MANE Select); coding-DNA position 121, T replaced by C.
Protein change: p.Ser41Pro; replaces serine 41 with proline.
Molecular consequence: missense variant.
Genome position (GRCh38, 1-based): chr20:44,186,585, A>G on the plus strand (T>C on the coding strand, the complement: JPH2 is on the minus strand). VCF-style: chr20-44186585-A-G. GRCh37 (hg19) VCF-style: chr20-42815225-A-G.
Other names: c.121T>C, p.Ser41Pro (NM_175913.4); short protein forms S41P.
Identifiers: ClinVar variation 3287236 (VCV003287236.1).
Genomic context (GRCh38, chr20:44,186,585, plus strand): 5'-CAAAGGTGTTTCCGCTGGGCCAGGTGTAGACACCTGCCACCTCAAAGCCAAAGTTCCAGG[A>G]GCCAGAGTATTCGCCCTGGCCCTTGGGGCCTGTGCACAGTCCATGCCCATGGGCCTTTCC-3'
Protein context (NP_065166.2, residues 31-51): GPKGQGEYSG[Ser41Pro]WNFGFEVAGV